The following is an entry in ClinVar:

NM_002880.4(RAF1):c.577C>T (p.Leu193Phe)

Gene: RAF1 (Raf-1 proto-oncogene, serine/threonine kinase; minus strand). Cytogenetic location: 3p25.2.
Variant type: single nucleotide variant.
Coding change: c.577C>T on transcript NM_002880.4 (MANE Select); coding-DNA position 577, C replaced by T.
Protein change: p.Leu193Phe; replaces leucine 193 with phenylalanine.
Molecular consequence: missense variant. On other transcripts: non-coding transcript variant (3).
Genome position (GRCh38, 1-based): chr3:12,608,770, G>A on the plus strand (C>T on the coding strand, the complement: RAF1 is on the minus strand). VCF-style: chr3-12608770-G-A. GRCh37 (hg19) VCF-style: chr3-12650269-G-A.
Other names: c.577C>T, p.Leu193Phe (NM_001354689.3, NM_001354690.3, NM_001354693.3); c.334C>T, p.Leu112Phe (NM_001354691.3, NM_001354692.3, NM_001354694.3 and 1 more transcripts); short protein forms L112F, L193F.
Identifiers: ClinVar variation 1749595 (VCV001749595.2), dbSNP rs2470377088, ClinGen allele CA351516307.

ClinVar aggregate classification (germline): Uncertain significance (1 of 4 stars; one submission).

Conditions:
Cardiovascular phenotype. Identifiers: MedGen CN230736.

Allele frequency attached by ClinVar (database versions not stated): gnomAD exomes below 0.00001.

Submission:

Ambry Genetics
Classification: Uncertain significance for Cardiovascular phenotype. Last evaluated: 2022-01-19. Review status: criteria provided, single submitter. Criteria: Ambry Variant Classification Scheme 2023. Collection method: clinical testing. Allele origin: germline.
Comment: The p.L193F variant (also known as c.577C>T), located in coding exon 4 of the RAF1 gene, results from a C to T substitution at nucleotide position 577. The leucine at codon 193 is replaced by phenylalanine, an amino acid with highly similar properties. This amino acid position is conserved. In addition, this alteration is predicted to be deleterious by in silico analysis. Since supporting evidence is limited at this time, the clinical significance of this alteration remains unclear.